The following is an entry in ClinVar:

ClinVar aggregate classification (germline): Pathogenic (1 of 4 stars; one submission).

Conditions:
Hereditary cancer-predisposing syndrome. Also called: Neoplastic Syndromes, Hereditary; Tumor predisposition; Hereditary neoplastic syndrome; Hereditary Cancer Syndrome. Identifiers: Orphanet 140162, MedGen C0027672, MeSH D009386, MONDO:0015356.

Submission:

Ambry Genetics
Classification: Pathogenic for Hereditary cancer-predisposing syndrome. Last evaluated: 2024-01-18. Review status: criteria provided, single submitter. Criteria: Ambry Variant Classification Scheme 2023. Collection method: clinical testing. Allele origin: germline.
Comment: The c.507delG pathogenic mutation, located in coding exon 5 of the BRCA2 gene, results from a deletion of one nucleotide at nucleotide position 507, causing a translational frameshift with a predicted alternate stop codon (p.K169Nfs*3). This variant is considered to be rare based on population cohorts in the Genome Aggregation Database (gnomAD). This alteration is expected to result in loss of function by premature protein truncation or nonsense-mediated mRNA decay. As such, this alteration is interpreted as a disease-causing mutation.

NM_000059.4(BRCA2):c.507del (p.Lys169fs)

Gene: BRCA2 (BRCA2 DNA repair associated; plus strand). Cytogenetic location: 13q13.1.
Variant type: Deletion.
Coding change: c.507del on transcript NM_000059.4 (MANE Select); coding-DNA position 507, one base deleted (G; older notation c.507delG).
Protein change: p.Lys169fs; shifts the reading frame from lysine 169.
Molecular consequence: frameshift variant.
Genome position (GRCh38, 1-based): chr13:32,326,273, G deleted. VCF-style (leftmost placement, unchanged base first): chr13-32326272-AG-A. GRCh37 (hg19) VCF-style: chr13-32900409-AG-A.
Other names: c.507delG (NM_000059.3); short protein forms K169fs.
Identifiers: ClinVar variation 3227149 (VCV003227149.1), dbSNP rs2137450607, ClinGen allele CA2499222038.
Genomic context (GRCh38, chr13:32,326,272, plus strand): 5'-TTAACAATTTTCCCCTTTTTTTACCCCCAGTGGTATGTGGGAGTTTGTTTCATACACCAA[AG>A]TTTGTGAAGGTAAATATTCTACCTGGTTTATTTTTATGACTTAGTAATTGAGAATTTGAC-3'